The following is an entry in ClinVar:

NM_000416.3(IFNGR1):c.694A>G (p.Lys232Glu)

Gene: IFNGR1 (interferon gamma receptor 1; minus strand). Cytogenetic location: 6q23.3.
Variant type: single nucleotide variant.
Coding change: c.694A>G on transcript NM_000416.3 (MANE Select); coding-DNA position 694, A replaced by G.
Protein change: p.Lys232Glu; replaces lysine 232 with glutamic acid.
Molecular consequence: missense variant.
Genome position (GRCh38, 1-based): chr6:137,203,538, T>C on the plus strand (A>G on the coding strand, the complement: IFNGR1 is on the minus strand). VCF-style: chr6-137203538-T-C. GRCh37 (hg19) VCF-style: chr6-137524675-T-C.
Other names: c.664A>G, p.Lys222Glu (NM_001363526.1); c.571A>G, p.Lys191Glu (NM_001363527.1); short protein forms K232E, K191E, K222E.
Identifiers: ClinVar variation 579786 (VCV000579786.12), dbSNP rs200848254, ClinGen allele CA4018900.

ClinVar aggregate classification (germline): Uncertain significance. Review status: criteria provided, multiple submitters, no conflicts (2 of 4 stars). 2 submissions from 2 submitters: Uncertain significance (2). Last evaluated 2025-08-24.

Conditions:
Disseminated atypical mycobacterial infection. Identifiers: MedGen C0694566.
Immunodeficiency 27A (IMD27A). Also called: IMMUNODEFICIENCY 27A, MYCOBACTERIOSIS, AUTOSOMAL RECESSIVE; IFNGR1 DEFICIENCY, AUTOSOMAL RECESSIVE. Identifiers: Orphanet 319569, Orphanet 99898, MedGen C4011949, MONDO:0008856, OMIM 209950.

Allele frequency attached by ClinVar (database versions not stated): gnomAD 0.00003 and 0.00004; gnomAD exomes 0.00003 and 0.00006; TOPMed 0.00003; ExAC 0.00005.
gnomAD v4.1: 45 of 1,612,632 alleles (0.0028%); highest among the groups gnomAD compares: African/African-American, 0.004%; no homozygotes.

Submissions (2):

Labcorp Genetics (formerly Invitae), Labcorp
Classification: Uncertain significance for Disseminated atypical mycobacterial infection. Last evaluated: 2025-08-24. Review status: criteria provided, single submitter. Criteria: Invitae Variant Classification Sherloc (09022015). Collection method: clinical testing. Allele origin: germline.
Comment: This sequence change replaces lysine, which is basic and polar, with glutamic acid, which is acidic and polar, at codon 232 of the IFNGR1 protein (p.Lys232Glu). This variant is present in population databases (rs200848254, gnomAD 0.1%). This variant has not been reported in the literature in individuals affected with IFNGR1-related conditions. ClinVar contains an entry for this variant (Variation ID: 579786). Invitae Evidence Modeling of protein sequence and biophysical properties (such as structural, functional, and spatial information, amino acid conservation, physicochemical variation, residue mobility, and thermodynamic stability) indicates that this missense variant is not expected to disrupt IFNGR1 protein function with a negative predictive value of 80%. In summary, the available evidence is currently insufficient to determine the role of this variant in disease. Therefore, it has been classified as a Variant of Uncertain Significance.

Illumina Laboratory Services, Illumina
Classification: Uncertain significance for Immunodeficiency 27A. Last evaluated: 2018-01-12. Review status: criteria provided, single submitter. Criteria: ICSL Variant Classification Criteria 13 December 2019. Collection method: clinical testing. Allele origin: germline.